The following is an entry in ClinVar:

NM_007272.3(CTRC):c.679G>A (p.Gly227Ser)

Gene: CTRC (chymotrypsin C; plus strand). Cytogenetic location: 1p36.21.
Variant type: single nucleotide variant.
Coding change: c.679G>A on transcript NM_007272.3 (MANE Select); coding-DNA position 679, G replaced by A.
Protein change: p.Gly227Ser; replaces glycine 227 with serine.
Molecular consequence: missense variant.
Genome position (GRCh38, 1-based): chr1:15,445,636, G>A. VCF-style: chr1-15445636-G-A. GRCh37 (hg19) VCF-style: chr1-15772131-G-A.
Other names: short protein forms G227S.
Identifiers: ClinVar variation 826625 (VCV000826625.9), dbSNP rs567745213, ClinGen allele CA613441.
Genomic context (GRCh38, chr1:15,445,636, plus strand): 5'-TGCCCTCCCGGTCTGGTGCAGGGGGACTCCGGTGGCCCACTGAACTGCCAGTTGGAGAAC[G>A]GTTCCTGGGAGGTGTTTGGCATCGTCAGCTTTGGCTCCCGGCGGGGCTGCAACACCCGCA-3'
Protein context (NP_009203.2, residues 217-237): GGPLNCQLEN[Gly227Ser]SWEVFGIVSF

ClinVar aggregate classification (germline): Uncertain significance. Review status: criteria provided, multiple submitters, no conflicts (2 of 4 stars). 2 submissions from 2 submitters: Uncertain significance (2). Last evaluated 2026-01-28.

Conditions:
Hereditary pancreatitis (PCTT). Also called: Hereditary chronic pancreatitis; PRSS1-Related Hereditary Pancreatitis. Identifiers: Orphanet 676, MedGen C0238339, MONDO:0008185, OMIM 167800.

Allele frequency attached by ClinVar (database versions not stated): gnomAD 0.00001 and 0.00002; gnomAD exomes 0.00001; 1000 Genomes Project 30x 0.00016; 1000 Genomes Project 0.00020; TOPMed 0.00001; ExAC 0.00002.
gnomAD v4.1: 18 of 1,614,194 alleles (0.0011%); highest among the groups gnomAD compares: Non-Finnish European, 0.0013%; no homozygotes.

Submissions (2):

Labcorp Genetics (formerly Invitae), Labcorp
Classification: Uncertain significance for Hereditary pancreatitis. Last evaluated: 2026-01-28. Review status: criteria provided, single submitter. Criteria: Invitae Variant Classification Sherloc (09022015). Collection method: clinical testing. Allele origin: germline.
Comment: This sequence change replaces glycine, which is neutral and non-polar, with serine, which is neutral and polar, at codon 227 of the CTRC protein (p.Gly227Ser). This variant is present in population databases (rs567745213, gnomAD 0.003%). This variant has not been reported in the literature in individuals affected with CTRC-related conditions. ClinVar contains an entry for this variant (Variation ID: 826625). An algorithm developed to predict the effect of missense changes on protein structure and function outputs the following: PolyPhen-2: "Benign". The serine amino acid residue is found in multiple mammalian species, which suggests that this missense change does not adversely affect protein function. In summary, the available evidence is currently insufficient to determine the role of this variant in disease. Therefore, it has been classified as a Variant of Uncertain Significance.

Ambry Genetics
Classification: Uncertain significance for Hereditary pancreatitis. Last evaluated: 2024-12-25. Review status: criteria provided, single submitter. Criteria: Ambry Variant Classification Scheme 2023. Collection method: clinical testing. Allele origin: germline.